The following is an entry in ClinVar:

NM_032447.5(FBN3):c.163C>G (p.Gln55Glu)

Gene: FBN3 (fibrillin 3; minus strand). Cytogenetic location: 19p13.2.
Variant type: single nucleotide variant.
Coding change: c.163C>G on transcript NM_032447.5 (MANE Select); coding-DNA position 163, C replaced by G.
Protein change: p.Gln55Glu; replaces glutamine 55 with glutamic acid.
Molecular consequence: missense variant.
Genome position (GRCh38, 1-based): chr19:8,147,318, G>C on the plus strand (C>G on the coding strand, the complement: FBN3 is on the minus strand). VCF-style: chr19-8147318-G-C. GRCh37 (hg19) VCF-style: chr19-8212202-G-C.
Other names: c.163C>G (NM_032447.3); c.163C>G, p.Gln55Glu (NM_001321431.2); short protein forms Q55E.
Identifiers: ClinVar variation 1437257 (VCV001437257.7), dbSNP rs774203961, ClinGen allele CA9153867.

ClinVar aggregate classification (germline): Uncertain significance. Review status: criteria provided, multiple submitters, no conflicts (2 of 4 stars). 2 submissions from 2 submitters: Uncertain significance (2). Last evaluated 2025-12-10.

Allele frequency attached by ClinVar (database versions not stated): gnomAD 0.00004; TOPMed 0.00007; ExAC 0.00015; gnomAD exomes 0.00016.
gnomAD v4.1: 46 of 1,595,998 alleles (0.0029%); highest among the groups gnomAD compares: Admixed American, 0.078%; no homozygotes.

Submissions (2):

Labcorp Genetics (formerly Invitae), Labcorp
Classification: Uncertain significance. Last evaluated: 2025-12-10. Review status: criteria provided, single submitter. Criteria: Invitae Variant Classification Sherloc (09022015). Collection method: clinical testing. Allele origin: germline.
Comment: This sequence change replaces glutamine, which is neutral and polar, with glutamic acid, which is acidic and polar, at codon 55 of the FBN3 protein (p.Gln55Glu). This variant is present in population databases (rs774203961, gnomAD 0.1%), and has an allele count higher than expected for a pathogenic variant. This variant has not been reported in the literature in individuals affected with FBN3-related conditions. ClinVar contains an entry for this variant (Variation ID: 1437257). An algorithm developed to predict the effect of missense changes on protein structure and function (PolyPhen-2) suggests that this variant is likely to be tolerated. In summary, the available evidence is currently insufficient to determine the role of this variant in disease. Therefore, it has been classified as a Variant of Uncertain Significance.

Ambry Genetics
Classification: Uncertain significance. Last evaluated: 2025-03-22. Review status: criteria provided, single submitter. Criteria: Ambry Variant Classification Scheme 2023. Collection method: clinical testing. Allele origin: germline.